The following is an entry in ClinVar:

ClinVar aggregate classification (germline): Likely pathogenic (1 of 4 stars; one submission).

Submission:

Labcorp Genetics (formerly Invitae), Labcorp
Classification: Likely pathogenic. Last evaluated: 2025-12-20. Review status: criteria provided, single submitter. Criteria: Invitae Variant Classification Sherloc (09022015). Collection method: clinical testing. Allele origin: germline.
Comment: This sequence change affects an acceptor splice site in intron 2 of the LOX gene. It is expected to disrupt RNA splicing. Variants that disrupt the donor or acceptor splice site typically lead to a loss of protein function (PMID: 16199547), and loss-of-function variants in LOX are known to be pathogenic (PMID: 12417550, 26838787, 27432961). This variant is not present in population databases (gnomAD no frequency). This variant has not been reported in the literature in individuals affected with LOX-related conditions. Algorithms developed to predict the effect of sequence changes on RNA splicing suggest that this variant may disrupt the consensus splice site. In summary, the currently available evidence indicates that the variant is pathogenic, but additional data are needed to prove that conclusively. Therefore, this variant has been classified as Likely Pathogenic.

Literature cited by the submitters: PubMed 16199547; PubMed 12417550; PubMed 26838787; PubMed 27432961.

NM_002317.7(LOX):c.741-2A>G

Genes: LOX (lysyl oxidase; minus strand), SRFBP1 (serum response factor binding protein 1; plus strand). Cytogenetic location: 5q23.1.
Variant type: single nucleotide variant.
Coding change: c.741-2A>G on transcript NM_002317.7 (MANE Select); the canonical splice acceptor site of the intron before coding-DNA position 741, A replaced by G.
Molecular consequence: splice acceptor variant.
Genome position (GRCh38, 1-based): chr5:122,075,543, T>C on the plus strand (A>G on the coding strand, the complement: LOX is on the minus strand). VCF-style: chr5-122075543-T-C. GRCh37 (hg19) VCF-style: chr5-121411238-T-C.
Other names: c.51-2A>G (NM_001178102.2); c.-151-2A>G (NM_001317073.1).
Identifiers: ClinVar variation 4729935 (VCV004729935.1).
Genomic context (GRCh38, chr5:122,075,543, plus strand): 5'-GGGGAAATCTGAGCAGCACCCTGTGATCATAATCTCTGACATCTGCCCTGTATGCTGTAC[T>C]GTGATTTTGAAAAAAGAAAAATTATTATATTCATGGAATATTAACTAAAGACAAAACTAC-3'